The following is an entry in ClinVar:

ClinVar aggregate classification (germline): Uncertain significance (1 of 4 stars; one submission).

Conditions:
Arrhythmogenic right ventricular dysplasia 8 (ARVD8). Also called: Arrhythmogenic Right Ventricular Dysplasia/Cardiomyopathy 8; ARRHYTHMOGENIC RIGHT VENTRICULAR DYSPLASIA, FAMILIAL, 8; ARRHYTHMOGENIC RIGHT VENTRICULAR CARDIOMYOPATHY 8. Identifiers: MedGen C1843896, MONDO:0011831, OMIM 607450.
Arrhythmogenic cardiomyopathy with wooly hair and keratoderma. Also called: PALMOPLANTAR KERATODERMA WITH LEFT VENTRICULAR CARDIOMYOPATHY AND WOOLLY HAIR; Dilated cardiomyopathy with woolly hair and keratoderma; Arrhythmogenic cardiomyopathy with woolly hair and keratoderma; Carvajal syndrome. Identifiers: Orphanet 65282, MedGen C1854063, MONDO:0011581, OMIM 605676.

Submission:

Labcorp Genetics (formerly Invitae), Labcorp
Classification: Uncertain significance for Arrhythmogenic cardiomyopathy with wooly hair and keratoderma; Arrhythmogenic right ventricular dysplasia 8. Last evaluated: 2025-08-06. Review status: criteria provided, single submitter. Criteria: Invitae Variant Classification Sherloc (09022015). Collection method: clinical testing. Allele origin: germline.
Comment: This sequence change replaces serine, which is neutral and polar, with cysteine, which is neutral and slightly polar, at codon 178 of the DSP protein (p.Ser178Cys). This variant is not present in population databases (gnomAD no frequency). This variant has not been reported in the literature in individuals affected with DSP-related conditions. An algorithm developed to predict the effect of missense changes on protein structure and function (PolyPhen-2) suggests that this variant is likely to be disruptive. In summary, the available evidence is currently insufficient to determine the role of this variant in disease. Therefore, it has been classified as a Variant of Uncertain Significance.

NM_004415.4(DSP):c.533C>G (p.Ser178Cys)

Gene: DSP (desmoplakin; plus strand). Cytogenetic location: 6p24.3.
Variant type: single nucleotide variant.
Coding change: c.533C>G on transcript NM_004415.4 (MANE Select); coding-DNA position 533, C replaced by G.
Protein change: p.Ser178Cys; replaces serine 178 with cysteine.
Molecular consequence: missense variant.
Genome position (GRCh38, 1-based): chr6:7,559,336, C>G. VCF-style: chr6-7559336-C-G. GRCh37 (hg19) VCF-style: chr6-7559569-C-G.
Other names: c.533C>G, p.Ser178Cys (NM_001008844.3, NM_001319034.2, NM_001406591.1); short protein forms S178C.
Identifiers: ClinVar variation 4794343 (VCV004794343.1).